The following is an entry in ClinVar:

ClinVar aggregate classification (germline): Benign. Review status: criteria provided, multiple submitters, no conflicts (2 of 4 stars). 20 submissions from 17 submitters: Benign (17). 3 of the submissions do not count toward it. Last evaluated 2026-02-04.

Conditions:
Cardiac arrhythmia. Also called: Arrhythmia; Cardiac rhythm disease. Identifiers: MedGen C0003811, MONDO:0007263, HP:0011675.
Cardiovascular phenotype. Identifiers: MedGen CN230736.
Cardiomyopathy (CMYO). Also called: Cardiomyopathies. Identifiers: Orphanet 167848, MedGen C0878544, MONDO:0004994, HP:0001638. Inheritance: Various modes of inheritance.
Catecholaminergic polymorphic ventricular tachycardia 1. Also called: VENTRICULAR TACHYCARDIA, CATECHOLAMINERGIC POLYMORPHIC, 1, WITH OR WITHOUT ATRIAL DYSFUNCTION AND/OR DILATED CARDIOMYOPATHY; VENTRICULAR TACHYCARDIA, STRESS-INDUCED POLYMORPHIC 1; RYR2-Related Catecholaminergic Polymorphic Ventricular Tachycardia. Identifiers: Orphanet 3286, MedGen C1631597, MONDO:0011484, OMIM 604772.
Arrhythmogenic right ventricular dysplasia 2. Identifiers: MedGen C1832931.
Catecholaminergic polymorphic ventricular tachycardia (CVPT). Also called: Catecholamine-induced polymorphic ventricular tachycardia. Identifiers: Orphanet 3286, MedGen C5574922, MONDO:0017990.

Allele frequency attached by ClinVar (database versions not stated): 1000 Genomes Project 30x 0.95659; TOPMed 0.95697; gnomAD 0.95950 and 0.96229; 1000 Genomes Project 0.96046; ESP Exome Variant Server 0.96162; ExAC 0.98859; gnomAD exomes 0.99058 and 0.99612.
gnomAD v4.1: 1,561,833 of 1,573,354 alleles (99%); highest among the groups gnomAD compares: East Asian, 100%; 775,840 homozygotes.

Submissions (20):

Labcorp Genetics (formerly Invitae), Labcorp
Classification: Benign for Catecholaminergic polymorphic ventricular tachycardia 1. Last evaluated: 2026-02-04. Review status: criteria provided, single submitter. Criteria: Invitae Variant Classification Sherloc (09022015). Collection method: clinical testing. Allele origin: germline.

Molecular Diagnostic Laboratory for Inherited Cardiovascular Disease, Montreal Heart Institute
Classification: Benign. Last evaluated: 2025-04-09. Review status: criteria provided, single submitter. Criteria: ACMG Guidelines, 2015. Collection method: clinical testing. Allele origin: germline. Affected: no.

Blueprint Genetics
Classification: Benign. Last evaluated: 2024-11-26. Review status: criteria provided, single submitter. Criteria: ACMG Guidelines, 2015. Collection method: clinical testing. Allele origin: germline.

All of Us Research Program, National Institutes of Health
Classification: Benign for Catecholaminergic polymorphic ventricular tachycardia. Last evaluated: 2024-02-05. Review status: criteria provided, single submitter. Criteria: ACMG Guidelines, 2015. Collection method: clinical testing. Allele origin: germline. Inheritance: Autosomal dominant inheritance. Observed: 106,351 variant alleles, 2,031 heterozygotes, 104,320 homozygotes.
Comment: This study involves interpretation of variants in research participants for the purpose of population health screening. Participant phenotype was not available at the time of variant classification. Additional details can be found in publication PMID: 35346344, PMCID: PMC8962531

Genome-Nilou Lab
Classification: Benign for Catecholaminergic polymorphic ventricular tachycardia 1. Last evaluated: 2021-11-07. Review status: criteria provided, single submitter. Criteria: ACMG Guidelines, 2015. Collection method: clinical testing. Allele origin: germline. Affected: no.

Genome-Nilou Lab
Classification: Benign for Ventricular arrhythmias due to cardiac ryanodine receptor calcium release deficiency syndrome. Last evaluated: 2021-11-07. Review status: criteria provided, single submitter. Criteria: ACMG Guidelines, 2015. Collection method: clinical testing. Allele origin: germline. Affected: no.

Genome-Nilou Lab
Classification: Benign for Catecholaminergic polymorphic ventricular tachycardia 1. Last evaluated: 2021-11-07. Review status: criteria provided, single submitter. Criteria: ACMG Guidelines, 2015. Collection method: clinical testing. Allele origin: germline. Affected: no.

Color Diagnostics, LLC DBA Color Health
Classification: Benign for Cardiomyopathy. Last evaluated: 2018-03-15. Review status: criteria provided, single submitter. Criteria: ACMG Guidelines, 2015. Collection method: clinical testing. Allele origin: germline.

Illumina Laboratory Services, Illumina
Classification: Benign for Catecholaminergic polymorphic ventricular tachycardia 1. Last evaluated: 2018-01-13. Review status: criteria provided, single submitter. Criteria: ICSL Variant Classification Criteria 13 December 2019. Collection method: clinical testing. Allele origin: germline.
Comment: This variant was observed in the ICSL laboratory as part of a predisposition screen in an ostensibly healthy population. It had not been previously curated by ICSL or reported in the Human Gene Mutation Database (HGMD: prior to June 1st, 2018), and was therefore a candidate for classification through an automated scoring system. Utilizing variant allele frequency, disease prevalence and penetrance estimates, and inheritance mode, an automated score was calculated to assess if this variant is too frequent to cause the disease. Based on the score and internal cut-off values, a variant classified as benign is not then subjected to further curation. The score for this variant resulted in a classification of benign for this disease.

Illumina Laboratory Services, Illumina
Classification: Benign for Catecholaminergic polymorphic ventricular tachycardia 1. Last evaluated: 2018-01-13. Review status: criteria provided, single submitter. Criteria: ICSL Variant Classification Criteria 13 December 2019. Collection method: clinical testing. Allele origin: germline.
Comment: the same text as in the submission from Illumina Laboratory Services, Illumina above.

Eurofins Ntd Llc (ga)
Classification: Benign. Last evaluated: 2015-07-08. Review status: criteria provided, single submitter. Criteria: EGL Classification Definitions 2015. Collection method: clinical testing. Allele origin: germline. Observed: 11 variant alleles, 11 homozygotes.

Ambry Genetics
Classification: Benign for Cardiovascular phenotype. Last evaluated: 2015-03-11. Review status: criteria provided, single submitter. Criteria: Ambry Variant Classification Scheme 2023. Collection method: clinical testing. Allele origin: germline.

GeneDx
Classification: Benign. Last evaluated: 2015-03-03. Review status: criteria provided, single submitter. Criteria: GeneDx Variant Classification Process June 2021. Collection method: clinical testing. Allele origin: germline. Affected: yes.

Mayo Clinic Laboratories, Mayo Clinic
Classification: Benign. Last evaluated: 2014-03-07. Review status: criteria provided, single submitter. Criteria: ACMG Guidelines, 2015. Collection method: clinical testing. Allele origin: germline. Observed: 1,305 variant alleles.

Laboratory for Molecular Medicine, Mass General Brigham Personalized Medicine
Classification: Benign. Last evaluated: 2011-09-16. Review status: criteria provided, single submitter. Criteria: LMM Criteria. Collection method: clinical testing. Allele origin: germline. Observed: 1,806 variant alleles.

Breakthrough Genomics
Classification: Benign. Review status: criteria provided, single submitter. Criteria: ACMG Guidelines, 2015. Collection method: not provided. Allele origin: germline. Inheritance: Autosomal dominant inheritance. Affected: yes.

PreventionGenetics, part of Exact Sciences
Classification: Benign. Review status: criteria provided, single submitter. Criteria: ACMG Guidelines, 2015. Collection method: clinical testing. Allele origin: germline.

Clinical Genetics, Academic Medical Center
Classification: Benign. Review status: no assertion criteria provided. Collection method: clinical testing. Allele origin: germline. Affected: yes. Study: VKGL Data-share Consensus. Not counted in ClinVar's aggregate classification.

Diagnostic Laboratory, Department of Genetics, University Medical Center Groningen
Classification: Benign. Review status: no assertion criteria provided. Collection method: clinical testing. Allele origin: germline. Affected: yes. Study: VKGL Data-share Consensus. Not counted in ClinVar's aggregate classification.

Joint Genome Diagnostic Labs from Nijmegen and Maastricht, Radboudumc and MUMC+
Classification: Benign. Review status: no assertion criteria provided. Collection method: clinical testing. Allele origin: germline. Affected: yes. Study: VKGL Data-share Consensus. Not counted in ClinVar's aggregate classification.

NM_001035.3(RYR2):c.10503C>T (p.Thr3501=)

Gene: RYR2 (ryanodine receptor 2; plus strand). Cytogenetic location: 1q43.
Variant type: single nucleotide variant.
Coding change: c.10503C>T on transcript NM_001035.3 (MANE Select); coding-DNA position 10503, C replaced by T.
Protein change: p.Thr3501=; no amino-acid change (threonine 3501 retained).
Molecular consequence: synonymous variant.
Genome position (GRCh38, 1-based): chr1:237,718,470, C>T. VCF-style: chr1-237718470-C-T. GRCh37 (hg19) VCF-style: chr1-237881770-C-T.
Other names: p.Thr3501=.
Identifiers: ClinVar variation 43699 (VCV000043699.45), dbSNP rs2797441, ClinGen allele CA006652.
Genomic context (GRCh38, chr1:237,718,470, plus strand): 5'-GACAGTTGATGCAATAGAAGACTCCTTTTAGGTAACATATATTTCTTGACAGAAAGATAC[C>T]GAGGATGAAGTACGAGATATAATCCGCAGCAATATTCATTTACAAGGCAAGGTAAGCCAA-3'
Protein context (NP_001026.2, residues 3491-3511): LAKNRFSLKD[Thr3501=]EDEVRDIIRS